The following is an entry in ClinVar:

ClinVar aggregate classification (germline): Uncertain significance. Review status: criteria provided, multiple submitters, no conflicts (2 of 4 stars). 2 submissions from 2 submitters: Uncertain significance (2). Last evaluated 2023-05-24.

Conditions:
Hereditary cancer-predisposing syndrome. Also called: Hereditary Cancer Syndrome; Neoplastic Syndromes, Hereditary; Tumor predisposition; Hereditary neoplastic syndrome. Identifiers: Orphanet 140162, MedGen C0027672, MeSH D009386, MONDO:0015356.
Rhabdoid tumor predisposition syndrome 2 (RTPS2). Identifiers: Orphanet 231108, Orphanet 69077, MedGen C2750074, MONDO:0013224, OMIM 613325.

Submissions (2):

Labcorp Genetics (formerly Invitae), Labcorp
Classification: Uncertain significance for Rhabdoid tumor predisposition syndrome 2. Last evaluated: 2023-05-24. Review status: criteria provided, single submitter. Criteria: Invitae Variant Classification Sherloc (09022015). Collection method: clinical testing. Allele origin: germline.
Comment: This variant has not been reported in the literature in individuals affected with SMARCA4-related conditions. In summary, the available evidence is currently insufficient to determine the role of this variant in disease. Therefore, it has been classified as a Variant of Uncertain Significance. Advanced modeling of protein sequence and biophysical properties (such as structural, functional, and spatial information, amino acid conservation, physicochemical variation, residue mobility, and thermodynamic stability) performed at Invitae indicates that this missense variant is not expected to disrupt SMARCA4 protein function. ClinVar contains an entry for this variant (Variation ID: 480671). This variant is not present in population databases (gnomAD no frequency). This sequence change replaces proline, which is neutral and non-polar, with threonine, which is neutral and polar, at codon 88 of the SMARCA4 protein (p.Pro88Thr).

Ambry Genetics
Classification: Uncertain significance for Hereditary cancer-predisposing syndrome. Last evaluated: 2021-07-26. Review status: criteria provided, single submitter. Criteria: Ambry Variant Classification Scheme 2023. Collection method: clinical testing. Allele origin: germline.
Comment: The p.P88T variant (also known as c.262C>A), located in coding exon 2 of the SMARCA4 gene, results from a C to A substitution at nucleotide position 262. The proline at codon 88 is replaced by threonine, an amino acid with highly similar properties. This amino acid position is well conserved in available vertebrate species. In addition, this alteration is predicted to be tolerated by in silico analysis. Missense and in-frame variants in SMARCA4 are known to cause neurodevelopmental disorders; however, such associations with rhabdoid tumor predisposition syndrome including small cell carcinoma of the ovary-hypercalcemic type (SCCOHT) are exceedingly rare (Kosho T et al. Am J Med Genet C Semin Med Genet. 2014 Sep;166C(3):262-75; Jelinic P et al. Nat Genet. 2014 May;46(5):424-6). Based on the supporting evidence, the association of this alteration with Coffin-Siris syndrome is unknown; however, the association of this alteration with rhabdoid tumor predisposition syndrome is unlikely.

NM_003072.5(SMARCA4):c.262C>A (p.Pro88Thr)

Gene: SMARCA4 (SWI/SNF related BAF chromatin remodeling complex subunit ATPase 4; plus strand). Cytogenetic location: 19p13.2.
Variant type: single nucleotide variant.
Coding change: c.262C>A on transcript NM_003072.5 (MANE Select); coding-DNA position 262, C replaced by A.
Protein change: p.Pro88Thr; replaces proline 88 with threonine.
Molecular consequence: missense variant. On other transcripts: non-coding transcript variant (1).
Genome position (GRCh38, 1-based): chr19:10,985,312, C>A. VCF-style: chr19-10985312-C-A. GRCh37 (hg19) VCF-style: chr19-11095988-C-A.
Other names: c.262C>A, p.Pro88Thr (NM_001128844.3, NM_001128845.2, NM_001128846.2 and 5 more transcripts); short protein forms P88T.
Identifiers: ClinVar variation 480671 (VCV000480671.8), dbSNP rs1555751997, ClinGen allele CA404055164.